The following is an entry in ClinVar:

NM_000019.4(ACAT1):c.239-8T>A

Gene: ACAT1 (acetyl-CoA acetyltransferase 1; plus strand). Cytogenetic location: 11q22.3.
Variant type: single nucleotide variant.
Coding change: c.239-8T>A on transcript NM_000019.4 (MANE Select); 8 bases into the intron before coding-DNA position 239, T replaced by A.
Molecular consequence: intron variant.
Genome position (GRCh38, 1-based): chr11:108,134,213, T>A. VCF-style: chr11-108134213-T-A. GRCh37 (hg19) VCF-style: chr11-108004940-T-A.
Identifiers: ClinVar variation 732192 (VCV000732192.16), dbSNP rs202030208, ClinGen allele CA6263063.

ClinVar aggregate classification (germline): Conflicting classifications of pathogenicity. Review status: criteria provided, conflicting classifications (1 of 4 stars). 3 submissions from 3 submitters: Uncertain significance (1); Likely benign (2). Last evaluated 2025-12-31.

Conditions:
ACAT1-related disorder. Also called: ACAT1-related condition.
Deficiency of acetyl-CoA acetyltransferase. Also called: MITOCHONDRIAL ACETOACETYL-CoA THIOLASE DEFICIENCY; Beta-ketothiolase deficiency; 3-KETOTHIOLASE DEFICIENCY; 3-OXOTHIOLASE DEFICIENCY. Identifiers: Orphanet 134, MedGen C1536500, MONDO:0008760, OMIM 203750. Disease mechanism: loss of function.

Allele frequency attached by ClinVar (database versions not stated): gnomAD exomes 0.00006 and 0.00008; gnomAD 0.00007 and 0.00008; ExAC 0.00008; TOPMed 0.00008; 1000 Genomes Project 30x 0.00016; 1000 Genomes Project 0.00060.
gnomAD v4.1: 98 of 1,591,880 alleles (0.0062%); highest among the groups gnomAD compares: East Asian, 0.11%; no homozygotes.

Submissions (3):

Labcorp Genetics (formerly Invitae), Labcorp
Classification: Likely benign for Deficiency of acetyl-CoA acetyltransferase. Last evaluated: 2025-12-31. Review status: criteria provided, single submitter. Criteria: Invitae Variant Classification Sherloc (09022015). Collection method: clinical testing. Allele origin: germline.

PreventionGenetics, part of Exact Sciences
Classification: Likely benign for ACAT1-related condition. Last evaluated: 2025-11-04. Review status: criteria provided, single submitter. Criteria: ACMG Guidelines, 2015. Collection method: clinical testing. Allele origin: germline.
Comment: This variant is classified as likely benign based on ACMG/AMP sequence variant interpretation guidelines (Richards et al. 2015 PMID: 25741868, with internal and published modifications).

Illumina Laboratory Services, Illumina
Classification: Uncertain significance for Deficiency of acetyl-CoA acetyltransferase. Last evaluated: 2018-01-13. Review status: criteria provided, single submitter. Criteria: ICSL Variant Classification Criteria 13 December 2019. Collection method: clinical testing. Allele origin: germline.